The following is an entry in ClinVar:

ClinVar aggregate classification (germline): Benign (1 of 4 stars; one submission).

gnomAD v4.1: 14,936 of 1,285,136 alleles (1.2%); highest among the groups gnomAD compares: Non-Finnish European, 1.4%; 118 homozygotes.

Submission:

CeGaT Center for Human Genetics Tuebingen
Classification: Benign. Last evaluated: 2024-11-01. Review status: criteria provided, single submitter. Criteria: CeGaT Center For Human Genetics Tuebingen Variant Classification Criteria Version 2. Collection method: clinical testing. Allele origin: germline. Affected: yes. Observed: 2 variant alleles.
Comment: PKM: BS1, BS2

NM_002654.6(PKM):c.-14+142C>G

Gene: PKM (pyruvate kinase M1/2; minus strand). Cytogenetic location: 15q23.
Variant type: single nucleotide variant.
Coding change: c.-14+142C>G on transcript NM_002654.6 (MANE Select); 142 bases into the intron after 14 bases upstream of the start codon, C replaced by G.
Molecular consequence: intron variant. On other transcripts: nonsense (3), 5 prime UTR variant (1).
Genome position (GRCh38, 1-based): chr15:72,230,974, G>C on the plus strand (C>G on the coding strand, the complement: PKM is on the minus strand). VCF-style: chr15-72230974-G-C. GRCh37 (hg19) VCF-style: chr15-72523315-G-C.
Other names: c.-84+142C>G (NM_001206798.3); c.14C>G, p.Ser5Ter (NM_001206796.3, NM_001316318.2, NM_001411081.1); c.-88C>G (NM_182470.4); c.-14+142C>G (NM_001206797.3, NM_182471.4); short protein forms S5*.
Identifiers: ClinVar variation 3388031 (VCV003388031.14).